The following is an entry in ClinVar:

ClinVar aggregate classification (germline): Uncertain significance (1 of 4 stars; one submission).

Conditions:
Inborn genetic diseases. Identifiers: MedGen C0950123, MeSH D030342.

gnomAD v4.1: 6 of 1,614,052 alleles (0.00037%); highest among the groups gnomAD compares: African/African-American, 0.008%; no homozygotes.

Submission:

Ambry Genetics
Classification: Uncertain significance for Inborn genetic diseases. Last evaluated: 2026-05-19. Review status: criteria provided, single submitter. Criteria: Ambry Variant Classification Scheme 2023. Collection method: clinical testing. Allele origin: germline.
Comment: The c.3691G>A (p.V1231I) alteration is located in exon 23 (coding exon 23) of the TCOF1 gene. This alteration results from a G to A substitution at nucleotide position 3691, causing the valine (V) at amino acid position 1231 to be replaced by an isoleucine (I). Based on data from gnomAD, the A allele has an overall frequency of 0.003% (1/31390) total alleles studied. The highest observed frequency was 0.012% (1/8704) of African alleles. Based on insufficient or conflicting evidence, the clinical significance of this alteration remains unclear.

NM_001371623.1(TCOF1):c.3694G>A (p.Val1232Ile)

Gene: TCOF1 (treacle ribosome biogenesis factor 1; plus strand). Cytogenetic location: 5q32.
Variant type: single nucleotide variant.
Coding change: c.3694G>A on transcript NM_001371623.1 (MANE Select); coding-DNA position 3694, G replaced by A.
Protein change: p.Val1232Ile; replaces valine 1232 with isoleucine.
Molecular consequence: missense variant.
Genome position (GRCh38, 1-based): chr5:150,393,462, G>A. VCF-style: chr5-150393462-G-A. GRCh37 (hg19) VCF-style: chr5-149773025-G-A.
Other names: c.3460G>A, p.Val1154Ile (NM_000356.4, NM_001437406.1); c.3691G>A, p.Val1231Ile (NM_001135243.2); c.3580G>A, p.Val1194Ile (NM_001135244.2); c.3463G>A, p.Val1155Ile (NM_001135245.2); c.3577G>A, p.Val1193Ile (NM_001195141.2); short protein forms V1154I, V1155I, V1193I, V1194I, V1231I, V1232I.
Identifiers: ClinVar variation 4865401 (VCV004865401.1).